The following is an entry in ClinVar:

ClinVar aggregate classification (germline): Uncertain significance (1 of 4 stars; one submission).

Conditions:
Cohen syndrome (COH1). Also called: PEPPER SYNDROME; Cutis verticis gyrata, retinitis pigmentosa, and sensorineural deafness. Identifiers: Orphanet 193, MedGen C0265223, MONDO:0008999, OMIM 216550.

Submission:

Labcorp Genetics (formerly Invitae), Labcorp
Classification: Uncertain significance for Cohen syndrome. Last evaluated: 2023-08-10. Review status: criteria provided, single submitter. Criteria: Invitae Variant Classification Sherloc (09022015). Collection method: clinical testing. Allele origin: germline.
Comment: In summary, the available evidence is currently insufficient to determine the role of this variant in disease. Therefore, it has been classified as a Variant of Uncertain Significance. An algorithm developed to predict the effect of missense changes on protein structure and function (PolyPhen-2) suggests that this variant is likely to be disruptive. ClinVar contains an entry for this variant (Variation ID: 1472558). This variant has not been reported in the literature in individuals affected with VPS13B-related conditions. This variant is not present in population databases (gnomAD no frequency). This sequence change replaces threonine with lysine at codon 2501 of the VPS13B protein (p.Thr2501Lys). The threonine residue is moderately conserved and there is a moderate physicochemical difference between threonine and lysine.

NM_152564.5(VPS13B):c.7427C>A (p.Thr2476Lys)

Gene: VPS13B (vacuolar protein sorting 13 homolog B; plus strand). Cytogenetic location: 8q22.2.
Variant type: single nucleotide variant.
Coding change: c.7427C>A on transcript NM_152564.5 (MANE Select); coding-DNA position 7427, C replaced by A.
Protein change: p.Thr2476Lys; replaces threonine 2476 with lysine.
Molecular consequence: missense variant.
Genome position (GRCh38, 1-based): chr8:99,776,954, C>A. VCF-style: chr8-99776954-C-A. GRCh37 (hg19) VCF-style: chr8-100789182-C-A.
Other names: c.7502C>A, p.Thr2501Lys (NM_017890.5); short protein forms T2476K, T2501K.
Identifiers: ClinVar variation 1472558 (VCV001472558.6), dbSNP rs2130668663, ClinGen allele CA371875918.